The following is an entry in ClinVar:

ClinVar aggregate classification (germline): Pathogenic. Review status: criteria provided, multiple submitters, no conflicts (2 of 4 stars). 2 submissions from 2 submitters: Pathogenic (2). Last evaluated 2023-04-13.

Conditions:
Juvenile polyposis syndrome (JPS). Identifiers: Orphanet 2929, MedGen C0345893, MONDO:0017380, OMIM 174900.

Submissions (2):

Myriad Genetics, Inc.
Classification: Pathogenic for Juvenile polyposis syndrome. Last evaluated: 2023-04-13. Review status: criteria provided, single submitter. Criteria: Myriad Autosomal Dominant, Autosomal Recessive and X-Linked Classification Criteria (2023). Collection method: clinical testing. Allele origin: unknown.
Comment: This variant is considered pathogenic. This variant creates a termination codon and is predicted to result in premature protein truncation.

Labcorp Genetics (formerly Invitae), Labcorp
Classification: Pathogenic for Juvenile polyposis syndrome. Last evaluated: 2020-11-14. Review status: criteria provided, single submitter. Criteria: Invitae Variant Classification Sherloc (09022015). Collection method: clinical testing. Allele origin: germline.
Comment: For these reasons, this variant has been classified as Pathogenic. This variant has not been reported in the literature in individuals with BMPR1A-related conditions. ClinVar contains an entry for this variant (Variation ID: 567654). This variant is not present in population databases (ExAC no frequency). This sequence change creates a premature translational stop signal (p.Gly47*) in the BMPR1A gene. It is expected to result in an absent or disrupted protein product. Loss-of-function variants in BMPR1A are known to be pathogenic (PMID: 11536076, 12417513).

Literature cited by the submitters: PubMed 11536076 (cited by Labcorp Genetics (formerly Invitae), Labcorp); PubMed 12417513 (cited by Labcorp Genetics (formerly Invitae), Labcorp).

NM_004329.3(BMPR1A):c.139G>T (p.Gly47Ter)

Gene: BMPR1A (bone morphogenetic protein receptor type 1A; plus strand). Cytogenetic location: 10q23.2.
Variant type: single nucleotide variant.
Coding change: c.139G>T on transcript NM_004329.3 (MANE Select); coding-DNA position 139, G replaced by T.
Protein change: p.Gly47Ter; replaces glycine 47 with a stop codon.
Molecular consequence: nonsense.
Genome position (GRCh38, 1-based): chr10:86,890,133, G>T. VCF-style: chr10-86890133-G-T. GRCh37 (hg19) VCF-style: chr10-88649890-G-T.
Other names: short protein forms G47*.
Identifiers: ClinVar variation 567654 (VCV000567654.9), dbSNP rs1564714809, ClinGen allele CA377446629.